The following is an entry in ClinVar:

NM_000135.4(FANCA):c.1226-1G>T

Gene: FANCA (FA complementation group A; minus strand). Cytogenetic location: 16q24.3.
Variant type: single nucleotide variant.
Coding change: c.1226-1G>T on transcript NM_000135.4 (MANE Select); the canonical splice acceptor site of the intron before coding-DNA position 1226, G replaced by T.
Molecular consequence: splice acceptor variant.
Genome position (GRCh38, 1-based): chr16:89,791,537, C>A on the plus strand (G>T on the coding strand, the complement: FANCA is on the minus strand). VCF-style: chr16-89791537-C-A. GRCh37 (hg19) VCF-style: chr16-89857945-C-A.
Other names: c.1226-1G>T (NM_001286167.3).
Identifiers: ClinVar variation 5003931 (VCV005003931.1).
Genomic context (GRCh38, chr16:89,791,537, plus strand): 5'-TGACCATGCTGTCCAGCTGGCAGCTCTCGAATGCCTGGGCCATCAAACGCGCCACCCAGT[C>A]TAGTTAAGAACCATGACATAGTCACAGCAAGGCAAGGGCAGCCAGCAGGAACATGACGTG-3'

ClinVar aggregate classification (germline): Likely pathogenic (1 of 4 stars; one submission).

Conditions:
Fanconi anemia complementation group A (FANCA). Also called: Fanconi anemia, group A; FANCA-Related Fanconi Anemia. Identifiers: Orphanet 84, MedGen C3469521, MONDO:0009215, OMIM 227650.

gnomAD v4.1: 1 of 1,614,028 alleles (0.000062%); highest among the groups gnomAD compares: Non-Finnish European, 0.000085%; no homozygotes.

Submission:

Myriad Genetics, Inc.
Classification: Likely pathogenic for Fanconi anemia complementation group A. Last evaluated: 2025-08-13. Review status: criteria provided, single submitter. Criteria: Myriad Autosomal Dominant, Autosomal Recessive and X-Linked Classification Criteria (2023). Collection method: clinical testing. Allele origin: unknown.
Comment: NM_000135.2(FANCA):c.1226-1G>T is a frameshift variant classified as likely pathogenic in the context of Fanconi anemia complementation group A. c.1226-1G>T has not been observed in cases with relevant disease. Relevant functional assessments of this variant are not available in the literature. c.1226-1G>T has not been observed in referenced population frequency databases. In summary, NM_000135.2(FANCA):c.1226-1G>T is a frameshift variant in a gene where loss of function is a known mechanism of disease and is predicted to disrupt protein function. Please note: this variant was assessed in the context of healthy population screening.